The following is an entry in ClinVar:

NM_000038.6(APC):c.2494C>G (p.Pro832Ala)

Gene: APC (APC regulator of Wnt signaling pathway; plus strand). Cytogenetic location: 5q22.2.
Variant type: single nucleotide variant.
Coding change: c.2494C>G on transcript NM_000038.6 (MANE Select); coding-DNA position 2494, C replaced by G.
Protein change: p.Pro832Ala; replaces proline 832 with alanine.
Molecular consequence: missense variant.
Genome position (GRCh38, 1-based): chr5:112,838,088, C>G. VCF-style: chr5-112838088-C-G. GRCh37 (hg19) VCF-style: chr5-112173785-C-G.
Other names: c.2494C>G, p.Pro832Ala (NM_001127510.3, NM_001354895.2); c.2440C>G, p.Pro814Ala (NM_001127511.3); c.2548C>G, p.Pro850Ala (NM_001354896.2); c.2524C>G, p.Pro842Ala (NM_001354897.2); c.2419C>G, p.Pro807Ala (NM_001354898.2); c.2410C>G, p.Pro804Ala (NM_001354899.2); c.2371C>G, p.Pro791Ala (NM_001354900.2); c.2317C>G, p.Pro773Ala (NM_001354901.2); and 5 more; short protein forms P814A, P832A, P549A, P731A, P741A, P773A, P791A, P672A.
Identifiers: ClinVar variation 537467 (VCV000537467.20), dbSNP rs1554084213, ClinGen allele CA16026803.

ClinVar aggregate classification (germline): Uncertain significance. Review status: criteria provided, multiple submitters, no conflicts (2 of 4 stars). 5 submissions from 5 submitters: Uncertain significance (5). Last evaluated 2025-09-12.

Conditions:
Hereditary cancer-predisposing syndrome. Also called: Tumor predisposition; Hereditary Cancer Syndrome; Hereditary neoplastic syndrome; Neoplastic Syndromes, Hereditary. Identifiers: Orphanet 140162, MedGen C0027672, MeSH D009386, MONDO:0015356.
Familial adenomatous polyposis 1 (FAP1). Also called: FAMILIAL ADENOMATOUS POLYPOSIS 1, ATTENUATED; POLYPOSIS, ADENOMATOUS INTESTINAL. Identifiers: MedGen C2713442, MONDO:0021056, OMIM 175100. Disease mechanism: loss of function.

Submissions (5):

Labcorp Genetics (formerly Invitae), Labcorp
Classification: Uncertain significance for Familial adenomatous polyposis 1. Last evaluated: 2025-09-12. Review status: criteria provided, single submitter. Criteria: Invitae Variant Classification Sherloc (09022015). Collection method: clinical testing. Allele origin: germline.
Comment: This sequence change replaces proline, which is neutral and non-polar, with alanine, which is neutral and non-polar, at codon 832 of the APC protein (p.Pro832Ala). This variant is not present in population databases (gnomAD no frequency). This variant has not been reported in the literature in individuals affected with APC-related conditions. ClinVar contains an entry for this variant (Variation ID: 537467). Invitae Evidence Modeling of protein sequence and biophysical properties (such as structural, functional, and spatial information, amino acid conservation, physicochemical variation, residue mobility, and thermodynamic stability) indicates that this missense variant is not expected to disrupt APC protein function with a negative predictive value of 95%. In summary, the available evidence is currently insufficient to determine the role of this variant in disease. Therefore, it has been classified as a Variant of Uncertain Significance.

GeneDx
Classification: Uncertain significance. Last evaluated: 2024-03-20. Review status: criteria provided, single submitter. Criteria: GeneDx Variant Classification Process June 2021. Collection method: clinical testing. Allele origin: germline. Affected: yes.
Comment: Not observed at significant frequency in large population cohorts (gnomAD); In silico analysis supports that this missense variant does not alter protein structure/function; Has not been previously published as pathogenic or benign to our knowledge

Color Diagnostics, LLC DBA Color Health
Classification: Uncertain significance for Hereditary cancer-predisposing syndrome. Last evaluated: 2023-12-05. Review status: criteria provided, single submitter. Criteria: ACMG Guidelines, 2015. Collection method: clinical testing. Allele origin: germline.
Comment: This missense variant replaces proline with alanine at codon 832 of the APC protein. Computational prediction tools and conservation analyses are inconclusive regarding the impact of this variant on the protein function. Computational splicing tools suggest that this variant may not impact RNA splicing. To our knowledge, functional assays have not been performed for this variant nor has this variant been reported in individuals affected with hereditary cancer in the literature. This variant has not been identified in the general population by the Genome Aggregation Database (gnomAD). Available evidence is insufficient to determine the role of this variant in disease conclusively. Therefore, this variant is classified as a Variant of Uncertain Significance.

Ambry Genetics
Classification: Uncertain significance for Hereditary cancer-predisposing syndrome. Last evaluated: 2023-09-05. Review status: criteria provided, single submitter. Criteria: Ambry Variant Classification Scheme 2023. Collection method: clinical testing. Allele origin: germline.
Comment: The p.P832A variant (also known as c.2494C>G), located in coding exon 15 of the APC gene, results from a C to G substitution at nucleotide position 2494. The proline at codon 832 is replaced by alanine, an amino acid with highly similar properties. This amino acid position is highly conserved in available vertebrate species. In addition, in silico predictors for this gene do not accurately predict pathogenicity. Since supporting evidence is limited at this time, the clinical significance of this alteration remains unclear.

Institute for Clinical Genetics, University Hospital TU Dresden, University Hospital TU Dresden
Classification: Uncertain significance. Last evaluated: 2021-11-03. Review status: criteria provided, single submitter. Criteria: ACMG Guidelines, 2015. Collection method: clinical testing. Allele origin: germline.